The following is an entry in ClinVar:

ClinVar aggregate classification (germline): Uncertain significance (1 of 4 stars; one submission).

gnomAD v4.1: 2 of 1,313,500 alleles (0.00015%); highest among the groups gnomAD compares: East Asian, 0.0046%; no homozygotes.

Submission:

GeneDx
Classification: Uncertain significance. Last evaluated: 2026-03-21. Review status: criteria provided, single submitter. Criteria: GeneDx Variant Classification Process June 2021. Collection method: clinical testing. Allele origin: germline.
Comment: Not observed at significant frequency in large population cohorts (gnomAD); In silico analysis supports that this missense variant has a deleterious effect on protein structure/function; Has not been previously published as pathogenic or benign to our knowledge

NM_014975.3(MAST1):c.181C>A (p.Pro61Thr)

Gene: MAST1 (microtubule associated serine/threonine kinase 1; plus strand). Cytogenetic location: 19p13.13.
Variant type: single nucleotide variant.
Coding change: c.181C>A on transcript NM_014975.3 (MANE Select); coding-DNA position 181, C replaced by A.
Protein change: p.Pro61Thr; replaces proline 61 with threonine.
Molecular consequence: missense variant.
Genome position (GRCh38, 1-based): chr19:12,840,999, C>A. VCF-style: chr19-12840999-C-A. GRCh37 (hg19) VCF-style: chr19-12951813-C-A.
Other names: short protein forms P61T.
Identifiers: ClinVar variation 5009594 (VCV005009594.1).